The following is an entry in ClinVar:

NM_003737.4(DCHS1):c.6217A>G (p.Ser2073Gly)

Gene: DCHS1 (dachsous cadherin-related 1; minus strand). Cytogenetic location: 11p15.4.
Variant type: single nucleotide variant.
Coding change: c.6217A>G on transcript NM_003737.4 (MANE Select); coding-DNA position 6217, A replaced by G.
Protein change: p.Ser2073Gly; replaces serine 2073 with glycine.
Molecular consequence: missense variant.
Genome position (GRCh38, 1-based): chr11:6,626,822, T>C on the plus strand (A>G on the coding strand, the complement: DCHS1 is on the minus strand). VCF-style: chr11-6626822-T-C. GRCh37 (hg19) VCF-style: chr11-6648053-T-C.
Other names: c.6217A>G (NM_003737.2); short protein forms S2073G.
Identifiers: ClinVar variation 2414148 (VCV002414148.5), dbSNP rs768415121, ClinGen allele CA5859935.

ClinVar aggregate classification (germline): Uncertain significance. Review status: criteria provided, multiple submitters, no conflicts (2 of 4 stars). 2 submissions from 2 submitters: Uncertain significance (2). Last evaluated 2025-10-26.

Conditions:
Inborn genetic diseases. Identifiers: MedGen C0950123, MeSH D030342.

Allele frequency attached by ClinVar (database versions not stated): ExAC 0.00003; TOPMed 0.00003; gnomAD 0.00005; gnomAD exomes 0.00006.
gnomAD v4.1: 93 of 1,613,018 alleles (0.0058%); highest among the groups gnomAD compares: Non-Finnish European, 0.0078%; no homozygotes.

Submissions (2):

Labcorp Genetics (formerly Invitae), Labcorp
Classification: Uncertain significance. Last evaluated: 2025-10-26. Review status: criteria provided, single submitter. Criteria: Invitae Variant Classification Sherloc (09022015). Collection method: clinical testing. Allele origin: germline.
Comment: This sequence change replaces serine, which is neutral and polar, with glycine, which is neutral and non-polar, at codon 2073 of the DCHS1 protein (p.Ser2073Gly). This variant is present in population databases (rs768415121, gnomAD 0.006%). This variant has not been reported in the literature in individuals affected with DCHS1-related conditions. ClinVar contains an entry for this variant (Variation ID: 2414148). Invitae Evidence Modeling of protein sequence and biophysical properties (such as structural, functional, and spatial information, amino acid conservation, physicochemical variation, residue mobility, and thermodynamic stability) indicates that this missense variant is not expected to disrupt DCHS1 protein function with a negative predictive value of 80%. In summary, the available evidence is currently insufficient to determine the role of this variant in disease. Therefore, it has been classified as a Variant of Uncertain Significance.

Ambry Genetics
Classification: Uncertain significance for Inborn genetic diseases. Last evaluated: 2025-03-26. Review status: criteria provided, single submitter. Criteria: Ambry Variant Classification Scheme 2023. Collection method: clinical testing. Allele origin: germline.